The following is an entry in ClinVar:

NM_000444.6(PHEX):c.1138del (p.Arg380fs)

Gene: PHEX (phosphate regulating endopeptidase X-linked; plus strand). Cytogenetic location: Xp22.11.
Variant type: Deletion.
Coding change: c.1138del on transcript NM_000444.6 (MANE Select); coding-DNA position 1138, one base deleted (A; older notation c.1138delA).
Protein change: p.Arg380fs; shifts the reading frame from arginine 380.
Molecular consequence: frameshift variant.
Genome position (GRCh38, 1-based): chrX:22,111,525, A deleted. VCF-style (leftmost placement, unchanged base first): chrX-22111524-CA-C. GRCh37 (hg19) VCF-style: chrX-22129642-CA-C.
Other names: c.1138del, p.Arg380fs (NM_001282754.2); short protein forms R380fs.
Identifiers: ClinVar variation 1434469 (VCV001434469.6), dbSNP rs2147062018, ClinGen allele CA2573158524.
Genomic context (GRCh38, chrX:22,111,524, plus strand): 5'-CAGGACCATTGCCAACTATTTGGTGTGGAGAATGGTTTATTCCAGAATTCCAAACCTTAG[CA>C]GGCGCTTTCAGTATAGATGGCTGGAATTCTCAAGGGTAAGTTTAAGAAGATTGCAGTGTT-3'

ClinVar aggregate classification (germline): Pathogenic (1 of 4 stars; one submission).

Submission:

Labcorp Genetics (formerly Invitae), Labcorp
Classification: Pathogenic. Last evaluated: 2021-10-15. Review status: criteria provided, single submitter. Criteria: Invitae Variant Classification Sherloc (09022015). Collection method: clinical testing. Allele origin: germline.
Comment: For these reasons, this variant has been classified as Pathogenic. This variant has not been reported in the literature in individuals affected with PHEX-related conditions. This variant is not present in population databases (ExAC no frequency). This sequence change creates a premature translational stop signal (p.Arg380Glyfs*13) in the PHEX gene. It is expected to result in an absent or disrupted protein product. Loss-of-function variants in PHEX are known to be pathogenic (PMID: 9097956, 9106524, 19219621).

Literature cited by the submitters: PubMed 9097956; PubMed 9106524; PubMed 19219621.